The following is an entry in ClinVar:

ClinVar aggregate classification (germline): Uncertain significance (1 of 4 stars; one submission).

Conditions:
Inborn genetic diseases. Identifiers: MedGen C0950123, MeSH D030342.

gnomAD v4.1: 1 of 1,611,182 alleles (0.000062%); highest among the groups gnomAD compares: East Asian, 0.0022%; no homozygotes.

Submission:

Ambry Genetics
Classification: Uncertain significance for Inborn genetic diseases. Last evaluated: 2025-06-24. Review status: criteria provided, single submitter. Criteria: Ambry Variant Classification Scheme 2023. Collection method: clinical testing. Allele origin: germline.
Comment: The p.V618A variant (also known as c.1853T>C), located in coding exon 11 of the FANCM gene, results from a T to C substitution at nucleotide position 1853. The valine at codon 618 is replaced by alanine, an amino acid with similar properties. This amino acid position is conserved. In addition, this alteration is predicted to be tolerated by in silico analysis. Based on the available evidence, the clinical significance of this variant remains unclear.

NM_020937.4(FANCM):c.1853T>C (p.Val618Ala)

Gene: FANCM (FA complementation group M; plus strand). Cytogenetic location: 14q21.2.
Variant type: single nucleotide variant.
Coding change: c.1853T>C on transcript NM_020937.4 (MANE Select); coding-DNA position 1853, T replaced by C.
Protein change: p.Val618Ala; replaces valine 618 with alanine.
Molecular consequence: missense variant.
Genome position (GRCh38, 1-based): chr14:45,167,014, T>C. VCF-style: chr14-45167014-T-C. GRCh37 (hg19) VCF-style: chr14-45636217-T-C.
Other names: c.1775T>C, p.Val592Ala (NM_001308133.2); c.1853T>C, p.Val618Ala (NM_001308134.2); short protein forms V592A, V618A.
Identifiers: ClinVar variation 4254540 (VCV004254540.1).